The following is an entry in ClinVar:

ClinVar aggregate classification (germline): Uncertain significance (1 of 4 stars; one submission).

Conditions:
Inborn genetic diseases. Identifiers: MedGen C0950123, MeSH D030342.

Submission:

Ambry Genetics
Classification: Uncertain significance for Inborn genetic diseases. Last evaluated: 2026-09-07. Review status: criteria provided, single submitter. Criteria: Ambry Variant Classification Scheme 2023. Collection method: clinical testing. Allele origin: germline.
Comment: The p.M306L variant (also known as c.916A>C), located in coding exon 9 of the AKT1 gene, results from an A to C substitution at nucleotide position 916. The methionine at codon 306 is replaced by leucine, an amino acid with highly similar properties. This amino acid position is conserved. In addition, the in silico prediction for this alteration is inconclusive. Based on the available evidence, the clinical significance of this variant remains unclear.

NM_001382430.1(AKT1):c.916A>C (p.Met306Leu)

Gene: AKT1 (AKT serine/threonine kinase 1; minus strand). Cytogenetic location: 14q32.33.
Variant type: single nucleotide variant.
Coding change: c.916A>C on transcript NM_001382430.1 (MANE Select); coding-DNA position 916, A replaced by C.
Protein change: p.Met306Leu; replaces methionine 306 with leucine.
Molecular consequence: missense variant.
Genome position (GRCh38, 1-based): chr14:104,773,292, T>G on the plus strand (A>C on the coding strand, the complement: AKT1 is on the minus strand). VCF-style: chr14-104773292-T-G. GRCh37 (hg19) VCF-style: chr14-105239629-T-G.
Other names: c.916A>C, p.Met306Leu (NM_001014431.2, NM_001014432.2, NM_001382431.1 and 3 more transcripts); short protein forms M306L.
Identifiers: ClinVar variation 5034482 (VCV005034482.1).